The following is an entry in ClinVar:

ClinVar aggregate classification (germline): Uncertain significance. Review status: criteria provided, multiple submitters, no conflicts (2 of 4 stars). 2 submissions from 2 submitters: Uncertain significance (2). Last evaluated 2026-04-08.

Conditions:
JPH2-related disorder. Also called: JPH2-related condition.

Submissions (2):

PreventionGenetics, part of Exact Sciences
Classification: Uncertain significance for JPH2-related condition. Last evaluated: 2026-04-08. Review status: criteria provided, single submitter. Criteria: ACMG Guidelines, 2015. Collection method: clinical testing. Allele origin: germline.
Comment: The JPH2 c.1909G>A variant is predicted to result in the amino acid substitution p.Ala637Thr. To our knowledge, this variant has not been reported in the literature or in a large population database (gnomAD), indicating this variant is rare. At this time, the clinical significance of this variant is uncertain due to the absence of conclusive functional and genetic evidence.

GeneDx
Classification: Uncertain significance. Last evaluated: 2024-12-31. Review status: criteria provided, single submitter. Criteria: GeneDx Variant Classification Process June 2021. Collection method: clinical testing. Allele origin: germline. Affected: yes.
Comment: Not observed at significant frequency in large population cohorts (gnomAD); In silico analysis indicates that this missense variant does not alter protein structure/function; Has not been previously published as pathogenic or benign to our knowledge

NM_020433.5(JPH2):c.1909G>A (p.Ala637Thr)

Gene: JPH2 (junctophilin 2; minus strand). Cytogenetic location: 20q13.12.
Variant type: single nucleotide variant.
Coding change: c.1909G>A on transcript NM_020433.5 (MANE Select); coding-DNA position 1909, G replaced by A.
Protein change: p.Ala637Thr; replaces alanine 637 with threonine.
Molecular consequence: missense variant.
Genome position (GRCh38, 1-based): chr20:44,115,766, C>T on the plus strand (G>A on the coding strand, the complement: JPH2 is on the minus strand). VCF-style: chr20-44115766-C-T. GRCh37 (hg19) VCF-style: chr20-42744406-C-T.
Other names: short protein forms A637T.
Identifiers: ClinVar variation 3908056 (VCV003908056.2).
Genomic context (GRCh38, chr20:44,115,766, plus strand): 5'-CCTTCCGCGCCTTCTTCTTGGCCCCCGCCTTGGTCAGCCCTCGAGCCTCAGTCTTGCGGG[C>T]CTTGGCCCTGGGCTCGGCTTTGGGGATGATGGGCTTGGGCTCCAGCTTGGCGGGGGTCTC-3'
Protein context (NP_065166.2, residues 627-647): IIPKAEPRAK[Ala637Thr]RKTEARGLTK